The following is an entry in ClinVar:

ClinVar aggregate classification (germline): Uncertain significance. Review status: criteria provided, multiple submitters, no conflicts (2 of 4 stars). 4 submissions from 4 submitters: Uncertain significance (4). Last evaluated 2026-07-29.

Conditions:
Hereditary nonpolyposis colorectal neoplasms. Identifiers: MedGen C0009405, MeSH D003123.
Hereditary cancer-predisposing syndrome. Also called: Hereditary Cancer Syndrome; Tumor predisposition; Hereditary neoplastic syndrome; Neoplastic Syndromes, Hereditary. Identifiers: Orphanet 140162, MedGen C0027672, MeSH D009386, MONDO:0015356.

gnomAD v4.1: 1 of 1,614,092 alleles (0.000062%); highest among the groups gnomAD compares: African/African-American, 0.0013%; no homozygotes.

Submissions (4):

Ambry Genetics
Classification: Uncertain significance for Hereditary cancer-predisposing syndrome. Last evaluated: 2026-07-29. Review status: criteria provided, single submitter. Criteria: Ambry Variant Classification Scheme 2023. Collection method: clinical testing. Allele origin: germline.

Labcorp Genetics (formerly Invitae), Labcorp
Classification: Uncertain significance for Hereditary nonpolyposis colorectal neoplasms. Last evaluated: 2025-10-20. Review status: criteria provided, single submitter. Criteria: Invitae Variant Classification Sherloc (09022015). Collection method: clinical testing. Allele origin: germline.
Comment: This sequence change replaces asparagine, which is neutral and polar, with lysine, which is basic and polar, at codon 910 of the MSH6 protein (p.Asn910Lys). This variant is not present in population databases (gnomAD no frequency). This variant has not been reported in the literature in individuals affected with MSH6-related conditions. ClinVar contains an entry for this variant (Variation ID: 525705). Invitae Evidence Modeling of protein sequence and biophysical properties (such as structural, functional, and spatial information, amino acid conservation, physicochemical variation, residue mobility, and thermodynamic stability) indicates that this missense variant is not expected to disrupt MSH6 protein function with a negative predictive value of 95%. In summary, the available evidence is currently insufficient to determine the role of this variant in disease. Therefore, it has been classified as a Variant of Uncertain Significance.

GeneDx
Classification: Uncertain significance. Last evaluated: 2024-07-02. Review status: criteria provided, single submitter. Criteria: GeneDx Variant Classification Process June 2021. Collection method: clinical testing. Allele origin: germline. Affected: yes.
Comment: Not observed at significant frequency in large population cohorts (gnomAD); In silico analysis indicates that this missense variant does not alter protein structure/function; Has not been previously published as pathogenic or benign to our knowledge; This variant is associated with the following publications: (PMID: 17531815, 21120944)

Color Diagnostics, LLC DBA Color Health
Classification: Uncertain significance for Hereditary cancer-predisposing syndrome. Last evaluated: 2023-12-05. Review status: criteria provided, single submitter. Criteria: ACMG Guidelines, 2015. Collection method: clinical testing. Allele origin: germline.
Comment: This missense variant replaces asparagine with lysine at codon 910 of the MSH6 protein. Computational prediction suggests that this variant may not impact protein structure and function (internally defined REVEL score threshold <= 0.5, PMID: 27666373). To our knowledge, functional studies have not been reported for this variant. This variant has not been reported in individuals affected with MSH6-related disorders in the literature. This variant has not been identified in the general population by the Genome Aggregation Database (gnomAD). The available evidence is insufficient to determine the role of this variant in disease conclusively. Therefore, this variant is classified as a Variant of Uncertain Significance.

NM_000179.3(MSH6):c.2730C>G (p.Asn910Lys)

Gene: MSH6 (mutS homolog 6; plus strand). Cytogenetic location: 2p16.3.
Variant type: single nucleotide variant.
Coding change: c.2730C>G on transcript NM_000179.3 (MANE Select); coding-DNA position 2730, C replaced by G.
Protein change: p.Asn910Lys; replaces asparagine 910 with lysine.
Molecular consequence: missense variant.
Genome position (GRCh38, 1-based): chr2:47,800,713, C>G. VCF-style: chr2-47800713-C-G. GRCh37 (hg19) VCF-style: chr2-48027852-C-G.
Other names: c.2340C>G, p.Asn780Lys (NM_001281492.2); c.1824C>G, p.Asn608Lys (NM_001281493.2, NM_001281494.2); short protein forms N910K, N780K, N608K.
Identifiers: ClinVar variation 525705 (VCV000525705.23), dbSNP rs773837927, ClinGen allele CA346755377.